The following is an entry in ClinVar:

ClinVar aggregate classification (germline): Uncertain significance (1 of 4 stars; one submission).

Submission:

GeneDx
Classification: Uncertain significance. Last evaluated: 2024-11-01. Review status: criteria provided, single submitter. Criteria: GeneDx Variant Classification Process June 2021. Collection method: clinical testing. Allele origin: germline. Affected: yes.
Comment: Frameshift variant predicted to result in protein truncation or nonsense mediated decay in a gene for which loss of function is a known mechanism of disease; Has not been previously published as pathogenic or benign to our knowledge

NM_001365999.1(SZT2):c.6007del (p.Arg2003fs)

Gene: SZT2 (SZT2 subunit of KICSTOR complex; plus strand). Cytogenetic location: 1p34.2.
Variant type: Deletion.
Coding change: c.6007del on transcript NM_001365999.1 (MANE Select); coding-DNA position 6007, one base deleted (C; older notation c.6007delC).
Protein change: p.Arg2003fs; shifts the reading frame from arginine 2003.
Molecular consequence: frameshift variant.
Genome position (GRCh38, 1-based): chr1:43,435,302, C deleted; the last of 3 consecutive C bases (chr1:43,435,300-43,435,302); deleting any one gives the same sequence. VCF-style (leftmost placement, unchanged base first): chr1-43435299-TC-T. GRCh37 (hg19) VCF-style: chr1-43900970-TC-T.
Other names: c.5836del, p.Arg1946fs (NM_015284.4); short protein forms R1946fs, R2003fs.
Identifiers: ClinVar variation 3897201 (VCV003897201.1).